The following is an entry in ClinVar:

ClinVar aggregate classification (germline): Uncertain significance (1 of 4 stars; one submission).

Submission:

Ambry Genetics
Classification: Uncertain significance. Last evaluated: 2022-06-22. Review status: criteria provided, single submitter. Criteria: Ambry Variant Classification Scheme 2023. Collection method: clinical testing. Allele origin: germline.
Comment: The p.E477A variant (also known as c.1430A>C), located in coding exon 3 of the ALPK2 gene, results from an A to C substitution at nucleotide position 1430. The glutamic acid at codon 477 is replaced by alanine, an amino acid with dissimilar properties. This amino acid position is conserved. In addition, this alteration is predicted to be tolerated by in silico analysis. Since supporting evidence is limited at this time, the clinical significance of this alteration remains unclear.

NM_052947.4(ALPK2):c.1430A>C (p.Glu477Ala)

Gene: ALPK2 (alpha kinase 2; minus strand). Cytogenetic location: 18q21.31.
Variant type: single nucleotide variant.
Coding change: c.1430A>C on transcript NM_052947.4 (MANE Select); coding-DNA position 1430, A replaced by C.
Protein change: p.Glu477Ala; replaces glutamic acid 477 with alanine.
Molecular consequence: missense variant.
Genome position (GRCh38, 1-based): chr18:58,579,346, T>G on the plus strand (A>C on the coding strand, the complement: ALPK2 is on the minus strand). VCF-style: chr18-58579346-T-G. GRCh37 (hg19) VCF-style: chr18-56246578-T-G.
Other names: short protein forms E477A.
Identifiers: ClinVar variation 1772484 (VCV001772484.2), dbSNP rs2518898975, ClinGen allele CA402563071.